The following is an entry in ClinVar:

ClinVar aggregate classification (germline): Uncertain significance (1 of 4 stars; one submission).

Conditions:
Hereditary breast ovarian cancer syndrome. Also called: Hereditary breast and ovarian cancer syndrome (HBOC); Breast and ovarian cancer; Hereditary breast and ovarian cancer syndrome; Hereditary breast and ovarian cancer; BRCA1- and BRCA2-Associated Hereditary Breast and Ovarian Cancer; Hereditary breast and/or ovarian cancer syndrome. Identifiers: Orphanet 145, MedGen C0677776, MeSH D061325, MONDO:0003582. Disease mechanism: loss of function.

Submissions (2):

Labcorp Genetics (formerly Invitae), Labcorp
Classification: Uncertain significance for Hereditary breast ovarian cancer syndrome. Last evaluated: 2016-04-09. Review status: criteria provided, single submitter. Criteria: Invitae Variant Classification Sherloc (09022015). Collection method: clinical testing. Allele origin: germline.
Comment: This variant is not present in population databases (ExAC no frequency). This sequence change replaces valine with leucine at codon 1696 of the BRCA1 protein (p.Val1696Leu). The valine residue is highly conserved and there is a small physicochemical difference between valine and leucine. This variant has not been reported in the literature in individuals with a BRCA1-related disease, but has been reported in an individual in the Breast Cancer Information Core (BIC) database (PMID: 10923033). ClinVar contains an entry for this variant (Variation ID: 55390). Experimental studies have shown that this missense change impairs the structural stability, binding activity and specificity of the BRCA1 protein in vitro (PMID: 19452558, 20516115, 11877378). In summary, this variant has been reported in the BIC database and has been shown to compromise protein function in functional studies. In the absence of further supportive evidence, this variant has been classified as a Variant of Uncertain Significance.

Brotman Baty Institute, University of Washington
No classification provided (evidence only). Condition: Breast-ovarian cancer, familial 1. Review status: no classification provided. Collection method: in vitro. Allele origin: not applicable. Functional consequence: function_uncertain_variant. Not counted in ClinVar's aggregate classification.
ClinVar note: "not provided" was previously submitted as the classification for the variant. However, the classification appeared to be based only on an observation of functional data so it was converted to no classification on 2025-07-30.

Literature cited by the submitters: PubMed 10923033 (cited by Labcorp Genetics (formerly Invitae), Labcorp); PubMed 19452558 (cited by Labcorp Genetics (formerly Invitae), Labcorp); PubMed 20516115 (cited by Labcorp Genetics (formerly Invitae), Labcorp); PubMed 11877378 (cited by Labcorp Genetics (formerly Invitae), Labcorp).

NM_007294.4(BRCA1):c.5086G>T (p.Val1696Leu)

Gene: BRCA1 (BRCA1 DNA repair associated; minus strand). Cytogenetic location: 17q21.31.
Variant type: single nucleotide variant.
Coding change: c.5086G>T on transcript NM_007294.4 (MANE Select); coding-DNA position 5086, G replaced by T.
Protein change: p.Val1696Leu; replaces valine 1696 with leucine.
Molecular consequence: missense variant. On other transcripts: non-coding transcript variant (1).
Genome position (GRCh38, 1-based): chr17:43,063,940, C>A on the plus strand (G>T on the coding strand, the complement: BRCA1 is on the minus strand). VCF-style: chr17-43063940-C-A. GRCh37 (hg19) VCF-style: chr17-41215957-C-A.
Other names: c.4873G>T, p.Val1625Leu (NM_001407571.1, NM_001407895.1, NM_001407896.1 and 12 more transcripts); c.5152G>T, p.Val1718Leu (NM_001407581.1, NM_001407582.1); c.5149G>T, p.Val1717Leu (NM_001407583.1, NM_001407585.1, NM_001407587.1 and 1 more transcripts); c.5146G>T, p.Val1716Leu (NM_001407590.1, NM_001407591.1); c.5086G>T, p.Val1696Leu (NM_001407593.1, NM_001407594.1, NM_001407596.1 and 7 more transcripts); c.5083G>T, p.Val1695Leu (NM_001407610.1, NM_001407611.1, NM_001407622.1 and 17 more transcripts); c.5080G>T, p.Val1694Leu (NM_001407627.1, NM_001407628.1, NM_001407629.1 and 14 more transcripts); c.5077G>T, p.Val1693Leu (NM_001407644.1, NM_001407645.1); and 71 more; short protein forms V1696L, V1649L, V1717L, V592L, V1399L, V1542L, V1568L, V1569L.
Identifiers: ClinVar variation 240813 (VCV000240813.12), dbSNP rs80357125, ClinGen allele CA10583553.
Genomic context (GRCh38, chr17:43,063,940, plus strand): 5'-AGCTAACTACCCATTTTCCTCCCGCAATTCCTAGAAAATATTTCAGTGTCCGTTCACACA[C>A]AAACTCAGCATCTGCAGAATGAAAAACACTCAAAGGATTAGAAGTTGAAAACAAAATCAG-3'
Protein context (NP_009225.1, residues 1686-1706): HVVMKTDAEF[Val1696Leu]CERTLKYFLG